The following is an entry in ClinVar:

ClinVar aggregate classification (germline): Uncertain significance (1 of 4 stars; one submission).

Allele frequency attached by ClinVar (database versions not stated): gnomAD exomes 0.00003 and 0.00008; ExAC 0.00019.
gnomAD v4.1: 46 of 1,585,890 alleles (0.0029%); highest among the groups gnomAD compares: South Asian, 0.041%; no homozygotes.

Submission:

Labcorp Genetics (formerly Invitae), Labcorp
Classification: Uncertain significance. Last evaluated: 2025-12-01. Review status: criteria provided, single submitter. Criteria: Invitae Variant Classification Sherloc (09022015). Collection method: clinical testing. Allele origin: germline.
Comment: This sequence change falls in intron 17 of the AP3B2 gene. It does not directly change the encoded amino acid sequence of the AP3B2 protein. It affects a nucleotide within the consensus splice site. This variant is present in population databases (rs759835488, gnomAD 0.06%). This variant has not been reported in the literature in individuals affected with AP3B2-related conditions. ClinVar contains an entry for this variant (Variation ID: 1361909). Variants that disrupt the consensus splice site are a relatively common cause of aberrant splicing (PMID: 17576681, 9536098). Algorithms developed to predict the effect of sequence changes on RNA splicing suggest that this variant is not likely to affect RNA splicing. In summary, the available evidence is currently insufficient to determine the role of this variant in disease. Therefore, it has been classified as a Variant of Uncertain Significance.

Literature cited by the submitters: PubMed 17576681; PubMed 9536098.

NM_001278512.2(AP3B2):c.2137+3G>A

Genes: AP3B2 (adaptor related protein complex 3 subunit beta 2; minus strand), CPEB1-AS1 (CPEB1 antisense RNA 1; plus strand). Cytogenetic location: 15q25.2.
Variant type: single nucleotide variant.
Coding change: c.2137+3G>A on transcript NM_001278512.2 (MANE Select); 3 bases into the intron after coding-DNA position 2137, G replaced by A.
Molecular consequence: intron variant.
Genome position (GRCh38, 1-based): chr15:82,664,832, C>T on the plus strand (G>A on the coding strand, the complement: AP3B2 is on the minus strand). VCF-style: chr15-82664832-C-T. GRCh37 (hg19) VCF-style: chr15-83333584-C-T.
Other names: c.1984+3G>A (NM_001278511.2); c.2080+3G>A (NM_004644.5).
Identifiers: ClinVar variation 1361909 (VCV001361909.4), dbSNP rs759835488, ClinGen allele CA7700012.
Genomic context (GRCh38, chr15:82,664,832, plus strand): 5'-TATAGTCAGTCACACAGATGCATGGGCAGAGCACAGAGGACCCCAGCTCTGCCATCTGCT[C>T]ACCACTGTCTGCGGACTCCGTGGGGCCTGACTCCCCCTCAGAGTCCGAGTAGAAGGGTTT-3'